The following is an entry in ClinVar:

NC_000004.12:g.(?_54656321)_(54658091_?)dup

Gene: KIT (KIT proto-oncogene, receptor tyrosine kinase; plus strand). Cytogenetic location: 4q12.
Variant type: Duplication.
Identifiers: ClinVar variation 830624 (VCV000830624.3).

ClinVar aggregate classification (germline): Uncertain significance (1 of 4 stars; one submission).

Conditions:
Gastrointestinal stromal tumor. Also called: Gastrointestinal stromal tumor, somatic; Gastrointestinal stroma tumor. Identifiers: Orphanet 44890, MedGen C0238198, MeSH D046152, MONDO:0011719, OMIM 606764, HP:0100723.

Submission:

Labcorp Genetics (formerly Invitae), Labcorp
Classification: Uncertain significance for Gastrointestinal stromal tumor. Last evaluated: 2022-09-14. Review status: criteria provided, single submitter. Criteria: Invitae Variant Classification Sherloc (09022015). Collection method: clinical testing. Allele origin: germline.
Comment: This variant results in a copy number gain of the genomic region encompassing exon(s) 1 of the KIT gene. This region includes the initiator codon of the gene. This copy number gain extends beyond the assayed region for this gene and therefore may encompass additional genes. As the precise location of this event is unknown, it may be in tandem or it may be located elsewhere in the genome. This variant has not been reported in the literature in individuals affected with KIT-related conditions. In summary, the available evidence is currently insufficient to determine the role of this variant in disease. Therefore, it has been classified as a Variant of Uncertain Significance.